The following is an entry in ClinVar:

NM_058216.3(RAD51C):c.126A>G (p.Lys42=)

Gene: RAD51C (RAD51 paralog C; plus strand). Cytogenetic location: 17q22.
Variant type: single nucleotide variant.
Coding change: c.126A>G on transcript NM_058216.3 (MANE Select); coding-DNA position 126, A replaced by G.
Protein change: p.Lys42=; no amino-acid change (lysine 42 retained).
Molecular consequence: synonymous variant. On other transcripts: non-coding transcript variant (1).
Genome position (GRCh38, 1-based): chr17:58,692,769, A>G. VCF-style: chr17-58692769-A-G. GRCh37 (hg19) VCF-style: chr17-56770130-A-G.
Other names: c.126A>G, p.Lys42= (NM_002876.4).
Identifiers: ClinVar variation 1110443 (VCV001110443.12), dbSNP rs1278628494, ClinGen allele CA501074393.

ClinVar aggregate classification (germline): Benign/Likely benign. Review status: criteria provided, multiple submitters, no conflicts (2 of 4 stars). 3 submissions from 3 submitters: Benign (1); Likely benign (2). Last evaluated 2025-03-09.

Conditions:
Hereditary cancer-predisposing syndrome. Also called: Hereditary neoplastic syndrome; Tumor predisposition; Neoplastic Syndromes, Hereditary; Hereditary Cancer Syndrome. Identifiers: Orphanet 140162, MedGen C0027672, MeSH D009386, MONDO:0015356.
Breast-ovarian cancer, familial, susceptibility to, 3. Also called: RAD51C-Related Breast/Ovarian Cancer. Identifiers: Orphanet 145, MedGen C3150659, MONDO:0013253, OMIM 613399.
Fanconi anemia complementation group O. Also called: RAD51C-Related Fanconi Anemia. Identifiers: Orphanet 84, MedGen C3150653, MONDO:0013248, OMIM 613390.

Allele frequency attached by ClinVar (database versions not stated): TOPMed below 0.00001.

Submissions (3):

Labcorp Genetics (formerly Invitae), Labcorp
Classification: Likely benign for Fanconi anemia complementation group O. Last evaluated: 2025-03-09. Review status: criteria provided, single submitter. Criteria: Invitae Variant Classification Sherloc (09022015). Collection method: clinical testing. Allele origin: germline.

Myriad Genetics, Inc.
Classification: Benign for Breast-ovarian cancer, familial, susceptibility to, 3. Last evaluated: 2025-02-14. Review status: criteria provided, single submitter. Criteria: Myriad Autosomal Dominant, Autosomal Recessive and X-Linked Classification Criteria (2023). Collection method: clinical testing. Allele origin: unknown.
Comment: This variant is considered benign. This variant is a silent/synonymous amino acid change and it is not expected to impact splicing.

Ambry Genetics
Classification: Likely benign for Hereditary cancer-predisposing syndrome. Last evaluated: 2016-06-29. Review status: criteria provided, single submitter. Criteria: Ambry Variant Classification Scheme 2023. Collection method: clinical testing. Allele origin: germline.